The following is an entry in ClinVar:

ClinVar aggregate classification (germline): Conflicting classifications of pathogenicity. Review status: criteria provided, conflicting classifications (1 of 4 stars). 3 submissions from 3 submitters: Uncertain significance (1); Likely benign (1). 1 of the submissions does not count toward it. Last evaluated 2026-01-11.

Conditions:
FRAS1-related disorder. Also called: FRAS1-related condition.
Fraser syndrome 1 (FRASRS1). Also called: CRYPTOPHTHALMOS WITH OTHER MALFORMATIONS. Identifiers: Orphanet 2052, MedGen C4551480, MONDO:0054737, OMIM 219000.

Allele frequency attached by ClinVar (database versions not stated): TOPMed 0.00015; gnomAD 0.00017 and 0.00022; 1000 Genomes Project 30x 0.00109; 1000 Genomes Project 0.00120.
gnomAD v4.1: 164 of 1,612,208 alleles (0.01%); highest among the groups gnomAD compares: East Asian, 0.14%; no homozygotes.

Submissions (3):

Labcorp Genetics (formerly Invitae), Labcorp
Classification: Likely benign. Last evaluated: 2026-01-11. Review status: criteria provided, single submitter. Criteria: Invitae Variant Classification Sherloc (09022015). Collection method: clinical testing. Allele origin: germline.

Illumina Laboratory Services, Illumina
Classification: Uncertain significance for Fraser syndrome 1. Last evaluated: 2018-01-13. Review status: criteria provided, single submitter. Criteria: ICSL Variant Classification Criteria 13 December 2019. Collection method: clinical testing. Allele origin: germline.

PreventionGenetics, part of Exact Sciences
Classification: Likely benign for FRAS1-related condition. Last evaluated: 2022-06-23. Review status: no assertion criteria provided. Collection method: clinical testing. Allele origin: germline. Not counted in ClinVar's aggregate classification.
Comment: This variant is classified as likely benign based on ACMG/AMP sequence variant interpretation guidelines (Richards et al. 2015 PMID: 25741868, with internal and published modifications).

NM_025074.7(FRAS1):c.2647G>A (p.Val883Met)

Gene: FRAS1 (Fraser extracellular matrix complex subunit 1; plus strand). Cytogenetic location: 4q21.21.
Variant type: single nucleotide variant.
Coding change: c.2647G>A on transcript NM_025074.7 (MANE Select); coding-DNA position 2647, G replaced by A.
Protein change: p.Val883Met; replaces valine 883 with methionine.
Molecular consequence: missense variant.
Genome position (GRCh38, 1-based): chr4:78,363,979, G>A. VCF-style: chr4-78363979-G-A. GRCh37 (hg19) VCF-style: chr4-79285133-G-A.
Other names: c.2647G>A, p.Val883Met (NM_001166133.2); short protein forms V883M.
Identifiers: ClinVar variation 702716 (VCV000702716.15), dbSNP rs377068014, ClinGen allele CA2976706.